The following is an entry in ClinVar:

NM_000138.5(FBN1):c.5849C>T (p.Thr1950Ile)

Gene: FBN1 (fibrillin 1; minus strand). Cytogenetic location: 15q21.1.
Variant type: single nucleotide variant.
Coding change: c.5849C>T on transcript NM_000138.5 (MANE Select); coding-DNA position 5849, C replaced by T.
Protein change: p.Thr1950Ile; replaces threonine 1950 with isoleucine.
Molecular consequence: missense variant.
Genome position (GRCh38, 1-based): chr15:48,445,444, G>A on the plus strand (C>T on the coding strand, the complement: FBN1 is on the minus strand). VCF-style: chr15-48445444-G-A. GRCh37 (hg19) VCF-style: chr15-48737641-G-A.
Other names: c.5849C>T, p.Thr1950Ile (NM_001406716.1); short protein forms T1950I.
Identifiers: ClinVar variation 3346435 (VCV003346435.2).

ClinVar aggregate classification (germline): Uncertain significance. Review status: criteria provided, single submitter (1 of 4 stars). 2 submissions from 2 submitters: Uncertain significance (1). 1 of the submissions does not count toward it. Last evaluated 2025-06-30.

Conditions:
FBN1-related disorder. Also called: FBN1-related disorders.
Familial thoracic aortic aneurysm and aortic dissection (TAAD). Also called: Thoracic aortic aneurysms and dissections. Identifiers: Orphanet 91387, MedGen C4707243, MONDO:0019625.

Submissions (2):

Color Diagnostics, LLC DBA Color Health
Classification: Uncertain significance for Familial thoracic aortic aneurysm and aortic dissection. Last evaluated: 2025-06-30. Review status: criteria provided, single submitter. Criteria: ACMG Guidelines, 2015. Collection method: clinical testing. Allele origin: germline.
Comment: This missense variant replaces threonine with isoleucine at codon 1950 of the FBN1 protein. Computational prediction suggests that this variant may not impact protein structure and function. To our knowledge, functional studies have not been reported for this variant. This variant has not been reported in individuals affected with FBN1-related disorders in the literature. This variant has not been identified in the general population by the Genome Aggregation Database (gnomAD). The available evidence is insufficient to determine the role of this variant in disease conclusively. Therefore, this variant is classified as a Variant of Uncertain Significance.

PreventionGenetics, part of Exact Sciences
Classification: Uncertain significance for FBN1-related condition. Last evaluated: 2024-07-03. Review status: no assertion criteria provided. Collection method: clinical testing. Allele origin: germline. Not counted in ClinVar's aggregate classification.
Comment: The FBN1 c.5849C>T variant is predicted to result in the amino acid substitution p.Thr1950Ile. To our knowledge, this variant has not been reported in the literature or in a large population database, indicating this variant is rare. At this time, the clinical significance of this variant is uncertain due to the absence of conclusive functional and genetic evidence.